The following is an entry in ClinVar:

NM_005488.3(TOM1):c.1284+86A>G

Gene: TOM1 (target of myb1 membrane trafficking protein; plus strand). Cytogenetic location: 22q12.3.
Variant type: single nucleotide variant.
Coding change: c.1284+86A>G on transcript NM_005488.3 (MANE Select); 86 bases into the intron after coding-DNA position 1284, A replaced by G.
Molecular consequence: intron variant.
Genome position (GRCh38, 1-based): chr22:35,345,870, A>G. VCF-style: chr22-35345870-A-G. GRCh37 (hg19) VCF-style: chr22-35741863-A-G.
Other names: c.1185+86A>G (NM_001135729.2); c.1284+86A>G (NM_001135732.2); c.1149+86A>G (NM_001135730.2).
Identifiers: ClinVar variation 2687974 (VCV002687974.2), dbSNP rs133399, ClinGen allele CA14967612.

ClinVar aggregate classification (germline): Benign (1 of 4 stars; one submission).

Allele frequency attached by ClinVar (database versions not stated): gnomAD 0.63209; TOPMed 0.65306; 1000 Genomes Project 0.68850; 1000 Genomes Project 30x 0.69503.
gnomAD v4.1: 748,576 of 1,386,202 alleles (54%); highest among the groups gnomAD compares: African/African-American, 91%; 208,200 homozygotes.

Submission:

Unidad de Genómica Garrahan, Hospital de Pediatría Garrahan
Classification: Benign. Last evaluated: 2024-01-24. Review status: criteria provided, single submitter. Criteria: ACMG Guidelines, 2015. Collection method: clinical testing. Allele origin: germline. Affected: no. Observed: 78 variant alleles.
Comment: This variant is classified as Benign based on local population frequency. This variant was detected in 82% of patients studied by a panel of primary immunodeficiencies. Number of patients: 78. Only high quality variants are reported.